The following is an entry in ClinVar:

ClinVar aggregate classification (germline): Uncertain significance (1 of 4 stars; one submission).

Conditions:
Paroxysmal nonkinesigenic dyskinesia. Also called: Paroxysmal non-kinesigenic dyskinesia. Identifiers: Orphanet 98810, MedGen C1869117, MONDO:0700088.

gnomAD v4.1: 2 of 1,613,858 alleles (0.00012%); highest among the groups gnomAD compares: Admixed American, 0.0033%; no homozygotes.

Submission:

Labcorp Genetics (formerly Invitae), Labcorp
Classification: Uncertain significance for Paroxysmal nonkinesigenic dyskinesia. Last evaluated: 2025-08-04. Review status: criteria provided, single submitter. Criteria: Invitae Variant Classification Sherloc (09022015). Collection method: clinical testing. Allele origin: germline.
Comment: This sequence change replaces glutamic acid, which is acidic and polar, with lysine, which is basic and polar, at codon 335 of the PNKD protein (p.Glu335Lys). This variant is present in population databases (no rsID available, gnomAD 0.003%). This variant has not been reported in the literature in individuals affected with PNKD-related conditions. Invitae Evidence Modeling of protein sequence and biophysical properties (such as structural, functional, and spatial information, amino acid conservation, physicochemical variation, residue mobility, and thermodynamic stability) indicates that this missense variant is expected to disrupt PNKD protein function with a positive predictive value of 80%. In summary, the available evidence is currently insufficient to determine the role of this variant in disease. Therefore, it has been classified as a Variant of Uncertain Significance.

NM_015488.5(PNKD):c.1003G>A (p.Glu335Lys)

Genes: CATIP-AS2 (CATIP antisense RNA 2; minus strand), PNKD (PNKD metallo-beta-lactamase domain containing; plus strand). Cytogenetic location: 2q35.
Variant type: single nucleotide variant.
Coding change: c.1003G>A on transcript NM_015488.5 (MANE Select); coding-DNA position 1003, G replaced by A.
Protein change: p.Glu335Lys; replaces glutamic acid 335 with lysine.
Molecular consequence: missense variant.
Genome position (GRCh38, 1-based): chr2:218,344,826, G>A. VCF-style: chr2-218344826-G-A. GRCh37 (hg19) VCF-style: chr2-219209549-G-A.
Other names: c.931G>A, p.Glu311Lys (NM_022572.5); short protein forms E311K, E335K.
Identifiers: ClinVar variation 4781764 (VCV004781764.1).
Genomic context (GRCh38, chr2:218,344,826, plus strand): 5'-TCCCAGCTTCTCTCCACCAAACCTGGTTCCTCTCACCCACAGTGCCCATCTACCCTGGGA[G>A]AGGAGCGCTCCTACAACCCGTTCCTGAGAACCCACTGCCTGGCGCTACAGGAGGCTCTGG-3'
Protein context (NP_056303.3, residues 325-345): RKGTCPSTLG[Glu335Lys]ERSYNPFLRT